The following is an entry in ClinVar:

NM_001614.5(ACTG1):c.-31G>C

Gene: ACTG1 (actin gamma 1; minus strand). Cytogenetic location: 17q25.3.
Variant type: single nucleotide variant.
Coding change: c.-31G>C on transcript NM_001614.5 (MANE Select); 31 bases upstream of the start codon, G replaced by C.
Molecular consequence: 5 prime UTR variant. On other transcripts: non-coding transcript variant (1).
Genome position (GRCh38, 1-based): chr17:81,512,758, C>G on the plus strand (G>C on the coding strand, the complement: ACTG1 is on the minus strand). VCF-style: chr17-81512758-C-G. GRCh37 (hg19) VCF-style: chr17-79479784-C-G.
Other names: c.-150G>C (NM_001199954.3).
Identifiers: ClinVar variation 379758 (VCV000379758.1), dbSNP rs143315390, ClinGen allele CA8836501.

ClinVar aggregate classification (germline): Benign (1 of 4 stars; one submission).

Allele frequency attached by ClinVar (database versions not stated): ExAC 0.00150; gnomAD exomes 0.00207; gnomAD 0.02469 and 0.02632; TOPMed 0.02724; 1000 Genomes Project 0.03155; 1000 Genomes Project 30x 0.03170.
gnomAD v4.1: 4,226 of 411,636 alleles (1%); highest among the groups gnomAD compares: African/African-American, 8.4%; 163 homozygotes.

Submission:

GeneDx
Classification: Benign. Last evaluated: 2016-02-25. Review status: criteria provided, single submitter. Criteria: GeneDx Variant Classification (06012015). Collection method: clinical testing. Allele origin: germline. Affected: yes.
Comment: This variant is considered likely benign or benign based on one or more of the following criteria: it is a conservative change, it occurs at a poorly conserved position in the protein, it is predicted to be benign by multiple in silico algorithms, and/or has population frequency not consistent with disease.